The following is an entry in ClinVar:

NM_000038.6(APC):c.7570A>C (p.Lys2524Gln)

Gene: APC (APC regulator of Wnt signaling pathway; plus strand). Cytogenetic location: 5q22.2.
Variant type: single nucleotide variant.
Coding change: c.7570A>C on transcript NM_000038.6 (MANE Select); coding-DNA position 7570, A replaced by C.
Protein change: p.Lys2524Gln; replaces lysine 2524 with glutamine.
Molecular consequence: missense variant.
Genome position (GRCh38, 1-based): chr5:112,843,164, A>C. VCF-style: chr5-112843164-A-C. GRCh37 (hg19) VCF-style: chr5-112178861-A-C.
Other names: c.7570A>C, p.Lys2524Gln (NM_001127510.3, NM_001354895.2); c.7516A>C, p.Lys2506Gln (NM_001127511.3); c.7624A>C, p.Lys2542Gln (NM_001354896.2); c.7600A>C, p.Lys2534Gln (NM_001354897.2); c.7495A>C, p.Lys2499Gln (NM_001354898.2); c.7486A>C, p.Lys2496Gln (NM_001354899.2); c.7447A>C, p.Lys2483Gln (NM_001354900.2); c.7393A>C, p.Lys2465Gln (NM_001354901.2); and 5 more; short protein forms K2506Q, K2524Q, K2398Q, K2465Q, K2423Q, K2483Q, K2542Q, K2241Q.
Identifiers: ClinVar variation 627838 (VCV000627838.23), dbSNP rs143060722, ClinGen allele CA16037782.
Genomic context (GRCh38, chr5:112,843,164, plus strand): 5'-TGGCGAAAACTCCCACCTAATCTCAGTCCCACTATAGAGTATAATGATGGAAGACCAGCA[A>C]AGCGCCATGATATTGCACGGTCTCATTCTGAAAGTCCTTCTAGACTTCCAATCAATAGGT-3'
Protein context (NP_000029.2, residues 2514-2534): TIEYNDGRPA[Lys2524Gln]RHDIARSHSE

ClinVar aggregate classification (germline): Uncertain significance. Review status: criteria provided, multiple submitters, no conflicts (2 of 4 stars). 5 submissions from 5 submitters: Uncertain significance (5). Last evaluated 2025-10-10.

Conditions:
Familial adenomatous polyposis 1 (FAP1). Also called: FAMILIAL ADENOMATOUS POLYPOSIS 1, ATTENUATED; POLYPOSIS, ADENOMATOUS INTESTINAL. Identifiers: MedGen C2713442, MONDO:0021056, OMIM 175100. Disease mechanism: loss of function.
Hereditary cancer-predisposing syndrome. Also called: Tumor predisposition; Hereditary Cancer Syndrome; Neoplastic Syndromes, Hereditary; Hereditary neoplastic syndrome. Identifiers: Orphanet 140162, MedGen C0027672, MeSH D009386, MONDO:0015356.

gnomAD v4.1: 8 of 1,613,746 alleles (0.0005%); highest among the groups gnomAD compares: South Asian, 0.0011%; no homozygotes.

Submissions (5):

Labcorp Genetics (formerly Invitae), Labcorp
Classification: Uncertain significance for Familial adenomatous polyposis 1. Last evaluated: 2025-10-10. Review status: criteria provided, single submitter. Criteria: Invitae Variant Classification Sherloc (09022015). Collection method: clinical testing. Allele origin: germline.
Comment: This sequence change replaces lysine, which is basic and polar, with glutamine, which is neutral and polar, at codon 2524 of the APC protein (p.Lys2524Gln). This variant is present in population databases (no rsID available, gnomAD 0.003%). This variant has not been reported in the literature in individuals affected with APC-related conditions. ClinVar contains an entry for this variant (Variation ID: 627838). Invitae Evidence Modeling of protein sequence and biophysical properties (such as structural, functional, and spatial information, amino acid conservation, physicochemical variation, residue mobility, and thermodynamic stability) indicates that this missense variant is not expected to disrupt APC protein function with a negative predictive value of 95%. In summary, the available evidence is currently insufficient to determine the role of this variant in disease. Therefore, it has been classified as a Variant of Uncertain Significance.

Ambry Genetics
Classification: Uncertain significance for Hereditary cancer-predisposing syndrome. Last evaluated: 2025-08-13. Review status: criteria provided, single submitter. Criteria: Ambry Variant Classification Scheme 2023. Collection method: clinical testing. Allele origin: germline.
Comment: The p.K2524Q variant (also known as c.7570A>C), located in coding exon 15 of the APC gene, results from an A to C substitution at nucleotide position 7570. The lysine at codon 2524 is replaced by glutamine, an amino acid with similar properties. This amino acid position is highly conserved in available vertebrate species. In addition, in silico predictors for this gene do not accurately predict pathogenicity. Missense alterations in APC are not a common cause of disease (Spier I et al. Genet Med. 2024 Feb;26(2):100992). Since supporting evidence is limited at this time, the clinical significance of this alteration remains unclear.

GeneDx
Classification: Uncertain significance. Last evaluated: 2025-05-29. Review status: criteria provided, single submitter. Criteria: GeneDx Variant Classification Process June 2021. Collection method: clinical testing. Allele origin: germline. Affected: yes.
Comment: Not observed at significant frequency in large population cohorts (gnomAD); In silico analysis suggests that this missense variant does not alter protein structure/function; Has not been previously published as pathogenic or benign to our knowledge

Color Diagnostics, LLC DBA Color Health
Classification: Uncertain significance for Hereditary cancer-predisposing syndrome. Last evaluated: 2024-03-06. Review status: criteria provided, single submitter. Criteria: ACMG Guidelines, 2015. Collection method: clinical testing. Allele origin: germline.
Comment: This missense variant replaces lysine with glutamine at codon 2524 of the APC protein. Computational prediction suggests that this variant may not impact protein structure and function (internally defined REVEL score threshold <= 0.5, PMID: 27666373). Splice site prediction tools suggest that this variant may not impact RNA splicing. To our knowledge, functional studies have not been performed for this variant. This variant has not been reported in individuals affected with hereditary cancer in the literature. This variant has been identified in 1/250864 chromosomes in the general population by the Genome Aggregation Database (gnomAD). The available evidence is insufficient to determine the role of this variant in disease conclusively. Therefore, this variant is classified as a Variant of Uncertain Significance.

Quest Diagnostics Nichols Institute San Juan Capistrano
Classification: Uncertain significance. Last evaluated: 2021-03-17. Review status: criteria provided, single submitter. Criteria: Quest Diagnostics criteria. Collection method: clinical testing. Allele origin: unknown.